The following is an entry in ClinVar:

ClinVar aggregate classification (germline): Benign. Review status: criteria provided, multiple submitters, no conflicts (2 of 4 stars). 12 submissions from 11 submitters: Benign (10). 2 of the submissions do not count toward it. Last evaluated 2026-04-14.

Conditions:
Progressive familial intrahepatic cholestasis type 2. Identifiers: Orphanet 79304, MedGen C3489789, MONDO:0011156, OMIM 601847.
Benign recurrent intrahepatic cholestasis type 2 (BRIC2). Also called: Recurrent familial intrahepatic cholestasis 2. Identifiers: Orphanet 65682, Orphanet 99961, MedGen C2608083, MONDO:0011559, OMIM 605479.
Familial intrahepatic cholestasis. Identifiers: Orphanet 284385, MedGen CN296401, MONDO:0017290.

Allele frequency attached by ClinVar (database versions not stated): gnomAD exomes 0.68730 and 0.75296; ESP Exome Variant Server 0.75235; gnomAD 0.75457 and 0.75811; ExAC 0.76633; TOPMed 0.77366; 1000 Genomes Project 30x 0.85447; 1000 Genomes Project 0.85523.
gnomAD v4.1: 1,021,838 of 1,468,048 alleles (70%); highest among the groups gnomAD compares: East Asian, 99%; 361,149 homozygotes.

Submissions (12):

Genomenon, Inc
Classification: Benign for Familial intrahepatic cholestasis. Last evaluated: 2026-04-14. Review status: criteria provided, single submitter. Criteria: Genomenon Sequence Variant Interpretation Standards - Updated. Collection method: curation. Allele origin: germline. Affected: no.
Comment: ABCB11 c.2344-17T>C is an intronic variant located in the acceptor splice region of intron 19. This variant is present at high allele frequency in population databases. In conclusion, we classify ABCB11 c.2344-17T>C as a benign variant.

Women's Health and Genetics/Laboratory Corporation of America, LabCorp
Classification: Benign. Last evaluated: 2026-02-09. Review status: criteria provided, single submitter. Criteria: LabCorp Variant Classification Summary - May 2015. Collection method: clinical testing. Allele origin: germline.

Labcorp Genetics (formerly Invitae), Labcorp
Classification: Benign. Last evaluated: 2026-02-04. Review status: criteria provided, single submitter. Criteria: Invitae Variant Classification Sherloc (09022015). Collection method: clinical testing. Allele origin: germline.

Blueprint Genetics
Classification: Benign. Last evaluated: 2024-11-26. Review status: criteria provided, single submitter. Criteria: ACMG Guidelines, 2015. Collection method: clinical testing. Allele origin: germline.

Mayo Clinic Laboratories, Mayo Clinic
Classification: Benign. Last evaluated: 2022-05-05. Review status: criteria provided, single submitter. Criteria: ACMG Guidelines, 2015. Collection method: clinical testing. Allele origin: germline. Observed: 502 variant alleles.

Genome-Nilou Lab
Classification: Benign for Benign recurrent intrahepatic cholestasis type 2. Last evaluated: 2021-07-10. Review status: criteria provided, single submitter. Criteria: ACMG Guidelines, 2015. Collection method: clinical testing. Allele origin: germline. Affected: no.

Genome-Nilou Lab
Classification: Benign for Progressive familial intrahepatic cholestasis type 2. Last evaluated: 2021-07-10. Review status: criteria provided, single submitter. Criteria: ACMG Guidelines, 2015. Collection method: clinical testing. Allele origin: germline. Affected: no.

GeneDx
Classification: Benign. Last evaluated: 2015-12-02. Review status: criteria provided, single submitter. Criteria: GeneDx Variant Classification (06012015). Collection method: clinical testing. Allele origin: germline. Affected: yes.
Comment: This variant is considered likely benign or benign based on one or more of the following criteria: it is a conservative change, it occurs at a poorly conserved position in the protein, it is predicted to be benign by multiple in silico algorithms, and/or has population frequency not consistent with disease.

Breakthrough Genomics
Classification: Benign. Review status: criteria provided, single submitter. Criteria: ACMG Guidelines, 2015. Collection method: not provided. Allele origin: germline. Inheritance: Autosomal recessive inheritance. Affected: yes.

PreventionGenetics, part of Exact Sciences
Classification: Benign. Review status: criteria provided, single submitter. Criteria: ACMG Guidelines, 2015. Collection method: clinical testing. Allele origin: germline.

Diagnostic Laboratory, Department of Genetics, University Medical Center Groningen
Classification: Benign. Review status: no assertion criteria provided. Collection method: clinical testing. Allele origin: germline. Affected: yes. Study: VKGL Data-share Consensus. Not counted in ClinVar's aggregate classification.

Joint Genome Diagnostic Labs from Nijmegen and Maastricht, Radboudumc and MUMC+
Classification: Benign. Review status: no assertion criteria provided. Collection method: clinical testing. Allele origin: germline. Affected: yes. Study: VKGL Data-share Consensus. Not counted in ClinVar's aggregate classification.

NM_003742.4(ABCB11):c.2344-17T>C

Gene: ABCB11 (ATP binding cassette subfamily B member 11; minus strand). Cytogenetic location: 2q31.1.
Variant type: single nucleotide variant.
Coding change: c.2344-17T>C on transcript NM_003742.4 (MANE Select); 17 bases into the intron before coding-DNA position 2344, T replaced by C.
Molecular consequence: intron variant.
Genome position (GRCh38, 1-based): chr2:168,944,978, A>G on the plus strand (T>C on the coding strand, the complement: ABCB11 is on the minus strand). VCF-style: chr2-168944978-A-G. GRCh37 (hg19) VCF-style: chr2-169801488-A-G.
Other names: p.?; c.2344-17T>C (LRG_1199t1).
Identifiers: ClinVar variation 259148 (VCV000259148.21), dbSNP rs853789, ClinGen allele CA1951293.